The following is an entry in ClinVar:

ClinVar aggregate classification (germline): Uncertain significance (1 of 4 stars; one submission).

Submission:

GeneDx
Classification: Uncertain significance. Last evaluated: 2023-06-27. Review status: criteria provided, single submitter. Criteria: GeneDx Variant Classification Process June 2021. Collection method: clinical testing. Allele origin: germline. Affected: yes.
Comment: Not observed at significant frequency in large population cohorts (gnomAD); In silico analysis supports that this missense variant does not alter protein structure/function; Has not been previously published as pathogenic or benign to our knowledge

NM_005876.5(SPEG):c.7216G>A (p.Val2406Ile)

Genes: SPEG (striated muscle enriched protein kinase; plus strand), ASIC4-AS1 (ASIC4 antisense RNA 1; minus strand). Cytogenetic location: 2q35.
Variant type: single nucleotide variant.
Coding change: c.7216G>A on transcript NM_005876.5 (MANE Select); coding-DNA position 7216, G replaced by A.
Protein change: p.Val2406Ile; replaces valine 2406 with isoleucine.
Molecular consequence: missense variant.
Genome position (GRCh38, 1-based): chr2:219,484,679, G>A. VCF-style: chr2-219484679-G-A. GRCh37 (hg19) VCF-style: chr2-220349401-G-A.
Other names: short protein forms V2406I.
Identifiers: ClinVar variation 3360088 (VCV003360088.1).